The following is an entry in ClinVar:

ClinVar aggregate classification (germline): Likely benign (0 of 4 stars; one submission).

Conditions:
KDM2B-related disorder. Also called: KDM2B-related condition.

Allele frequency attached by ClinVar (database versions not stated): ExAC 0.00005.
gnomAD v4.1: 14 of 1,613,534 alleles (0.00087%); highest among the groups gnomAD compares: East Asian, 0.031%; no homozygotes.

Submission:

PreventionGenetics, part of Exact Sciences
Classification: Likely benign for KDM2B-related condition. Last evaluated: 2019-03-20. Review status: no assertion criteria provided. Collection method: clinical testing. Allele origin: germline.
Comment: This variant is classified as likely benign based on ACMG/AMP sequence variant interpretation guidelines (Richards et al. 2015 PMID: 25741868, with internal and published modifications).

NM_032590.5(KDM2B):c.486G>C (p.Thr162=)

Gene: KDM2B (lysine demethylase 2B; minus strand). Cytogenetic location: 12q24.31.
Variant type: single nucleotide variant.
Coding change: c.486G>C on transcript NM_032590.5 (MANE Select); coding-DNA position 486, G replaced by C.
Protein change: p.Thr162=; no amino-acid change (threonine 162 retained).
Molecular consequence: synonymous variant.
Genome position (GRCh38, 1-based): chr12:121,549,550, C>G on the plus strand (G>C on the coding strand, the complement: KDM2B is on the minus strand). VCF-style: chr12-121549550-C-G. GRCh37 (hg19) VCF-style: chr12-121987455-C-G.
Other names: c.393G>C, p.Thr131= (NM_001005366.2).
Identifiers: ClinVar variation 3058484 (VCV003058484.2), dbSNP rs782609076, ClinGen allele CA6837199.